The following is an entry in ClinVar:

ClinVar aggregate classification (germline): Likely benign. Review status: criteria provided, multiple submitters, no conflicts (2 of 4 stars). 2 submissions from 2 submitters: Likely benign (2). Last evaluated 2026-06-05.

Conditions:
Joubert syndrome. Also called: Familial aplasia of the vermis; JOUBERT-BOLTSHAUSER SYNDROME. Identifiers: Orphanet 475, MedGen C5979921, MONDO:0018772.
INPP5E-related disorder. Also called: INPP5E-related condition.

Allele frequency attached by ClinVar (database versions not stated): TOPMed below 0.00001.

Submissions (2):

PreventionGenetics, part of Exact Sciences
Classification: Likely benign for INPP5E-related condition. Last evaluated: 2026-06-05. Review status: criteria provided, single submitter. Criteria: ACMG Guidelines, 2015. Collection method: clinical testing. Allele origin: germline.
Comment: This variant is classified as likely benign based on ACMG/AMP sequence variant interpretation guidelines (Richards et al. 2015 PMID: 25741868, with internal and published modifications).

Labcorp Genetics (formerly Invitae), Labcorp
Classification: Likely benign for Joubert syndrome. Last evaluated: 2022-09-13. Review status: criteria provided, single submitter. Criteria: Invitae Variant Classification Sherloc (09022015). Collection method: clinical testing. Allele origin: germline.

NM_019892.6(INPP5E):c.1257C>T (p.Leu419=)

Gene: INPP5E (inositol polyphosphate-5-phosphatase E; minus strand). Cytogenetic location: 9q34.3.
Variant type: single nucleotide variant.
Coding change: c.1257C>T on transcript NM_019892.6 (MANE Select); coding-DNA position 1257, C replaced by T.
Protein change: p.Leu419=; no amino-acid change (leucine 419 retained).
Molecular consequence: synonymous variant.
Genome position (GRCh38, 1-based): chr9:136,432,978, G>A on the plus strand (C>T on the coding strand, the complement: INPP5E is on the minus strand). VCF-style: chr9-136432978-G-A. GRCh37 (hg19) VCF-style: chr9-139327430-G-A.
Other names: c.1257C>T (NM_019892.5); c.1257C>T, p.Leu419= (NM_001318502.2).
Identifiers: ClinVar variation 1924241 (VCV001924241.6), dbSNP rs773461610, ClinGen allele CA201642736.
Genomic context (GRCh38, chr9:136,432,978, plus strand): 5'-TCACACAGCACCTGCGGTGCGGGCACCAAGCAACTTACAGGTGAAGTGGGACGTGATGAA[G>A]AGGAAGGAAGTGCCAAAAAAGGTGAAGCTGATGCCCAAGGCCCCCTTGGTCTTGATCTGA-3'
Protein context (NP_063945.2, residues 409-429): ISFTFFGTSF[Leu419=]FITSHFTSGD